The following is an entry in ClinVar:

ClinVar aggregate classification (germline): Likely benign (1 of 4 stars; one submission).

Submission:

CeGaT Center for Human Genetics Tuebingen
Classification: Likely benign. Last evaluated: 2023-08-01. Review status: criteria provided, single submitter. Criteria: CeGaT Center For Human Genetics Tuebingen Variant Classification Criteria Version 2. Collection method: clinical testing. Allele origin: germline. Affected: yes. Observed: 1 variant allele.
Comment: MUC3A: PM2:Supporting, BP4, BP7

NM_005960.2(MUC3A):c.1125A>C (p.Pro375=)

Gene: MUC3A (mucin 3A, cell surface associated; plus strand). Cytogenetic location: 7q22.1.
Variant type: single nucleotide variant.
Coding change: c.1125A>C on transcript NM_005960.2 (MANE Select); coding-DNA position 1125, A replaced by C.
Protein change: p.Pro375=; no amino-acid change (proline 375 retained).
Molecular consequence: synonymous variant.
Genome position (GRCh38, 1-based): chr7:100,952,904, A>C. VCF-style: chr7-100952904-A-C. GRCh37 (hg19) VCF-style: chr7-100550544-A-C.
Identifiers: ClinVar variation 2657780 (VCV002657780.24), dbSNP rs75037819, ClinGen allele CA163299566.